The following is an entry in ClinVar:

NM_000038.6(APC):c.4939A>G (p.Thr1647Ala)

Gene: APC (APC regulator of Wnt signaling pathway; plus strand). Cytogenetic location: 5q22.2.
Variant type: single nucleotide variant.
Coding change: c.4939A>G on transcript NM_000038.6 (MANE Select); coding-DNA position 4939, A replaced by G.
Protein change: p.Thr1647Ala; replaces threonine 1647 with alanine.
Molecular consequence: missense variant.
Genome position (GRCh38, 1-based): chr5:112,840,533, A>G. VCF-style: chr5-112840533-A-G. GRCh37 (hg19) VCF-style: chr5-112176230-A-G.
Other names: c.4939A>G, p.Thr1647Ala (NM_001127510.3, NM_001354895.2); c.4885A>G, p.Thr1629Ala (NM_001127511.3); c.4993A>G, p.Thr1665Ala (NM_001354896.2); c.4969A>G, p.Thr1657Ala (NM_001354897.2); c.4864A>G, p.Thr1622Ala (NM_001354898.2); c.4855A>G, p.Thr1619Ala (NM_001354899.2); c.4816A>G, p.Thr1606Ala (NM_001354900.2); c.4762A>G, p.Thr1588Ala (NM_001354901.2); and 5 more; short protein forms T1364A, T1487A, T1521A, T1546A, T1556A, T1588A, T1606A, T1619A.
Identifiers: ClinVar variation 1054598 (VCV001054598.10), dbSNP rs876659854, ClinGen allele CA16032148.

ClinVar aggregate classification (germline): Uncertain significance (1 of 4 stars; one submission).

Conditions:
Familial adenomatous polyposis 1 (FAP1). Also called: FAMILIAL ADENOMATOUS POLYPOSIS 1, ATTENUATED; POLYPOSIS, ADENOMATOUS INTESTINAL. Identifiers: MedGen C2713442, MONDO:0021056, OMIM 175100. Disease mechanism: loss of function.

Submission:

Labcorp Genetics (formerly Invitae), Labcorp
Classification: Uncertain significance for Familial adenomatous polyposis 1. Last evaluated: 2020-06-18. Review status: criteria provided, single submitter. Criteria: Invitae Variant Classification Sherloc (09022015). Collection method: clinical testing. Allele origin: germline.
Comment: This sequence change replaces threonine with alanine at codon 1647 of the APC protein (p.Thr1647Ala). The threonine residue is highly conserved and there is a small physicochemical difference between threonine and alanine. This variant is not present in population databases (ExAC no frequency). This variant has not been reported in the literature in individuals with APC-related conditions. Algorithms developed to predict the effect of missense changes on protein structure and function (SIFT, PolyPhen-2, Align-GVGD) all suggest that this variant is likely to be disruptive, but these predictions have not been confirmed by published functional studies and their clinical significance is uncertain. In summary, the available evidence is currently insufficient to determine the role of this variant in disease. Therefore, it has been classified as a Variant of Uncertain Significance.